The following is an entry in ClinVar:

ClinVar aggregate classification (germline): Uncertain significance (1 of 4 stars; one submission).

Conditions:
RYR1-related disorder. Also called: RYR1-related condition; RYR1-related disorders. Identifiers: MedGen CN239331.

Submission:

Labcorp Genetics (formerly Invitae), Labcorp
Classification: Uncertain significance for RYR1-related disorder. Last evaluated: 2024-11-20. Review status: criteria provided, single submitter. Criteria: Invitae Variant Classification Sherloc (09022015). Collection method: clinical testing. Allele origin: germline.
Comment: This sequence change falls in intron 71 of the RYR1 gene. It does not directly change the encoded amino acid sequence of the RYR1 protein. It affects a nucleotide within the consensus splice site. This variant is not present in population databases (gnomAD no frequency). This variant has not been reported in the literature in individuals affected with RYR1-related conditions. Variants that disrupt the consensus splice site are a relatively common cause of aberrant splicing (PMID: 17576681, 9536098). Algorithms developed to predict the effect of sequence changes on RNA splicing suggest that this variant is not likely to affect RNA splicing. In summary, the available evidence is currently insufficient to determine the role of this variant in disease. Therefore, it has been classified as a Variant of Uncertain Significance.

Literature cited by the submitters: PubMed 17576681; PubMed 9536098.

NM_000540.3(RYR1):c.10626+5C>T

Gene: RYR1 (ryanodine receptor 1; plus strand). Cytogenetic location: 19q13.2.
Variant type: single nucleotide variant.
Coding change: c.10626+5C>T on transcript NM_000540.3 (MANE Select); 5 bases into the intron after coding-DNA position 10626, C replaced by T.
Molecular consequence: intron variant.
Genome position (GRCh38, 1-based): chr19:38,525,507, C>T. VCF-style: chr19-38525507-C-T. GRCh37 (hg19) VCF-style: chr19-39016147-C-T.
Other names: c.10611+5C>T (NM_001042723.2).
Identifiers: ClinVar variation 3668376 (VCV003668376.2).